The following is an entry in ClinVar:

ClinVar aggregate classification (germline): Uncertain significance (1 of 4 stars; one submission).

Submission:

Labcorp Genetics (formerly Invitae), Labcorp
Classification: Uncertain significance. Last evaluated: 2020-11-06. Review status: criteria provided, single submitter. Criteria: Invitae Variant Classification Sherloc (09022015). Collection method: clinical testing. Allele origin: germline.
Comment: This sequence change replaces serine with arginine at codon 298 of the CD46 protein (p.Ser298Arg). The serine residue is weakly conserved and there is a moderate physicochemical difference between serine and arginine. This variant is not present in population databases (ExAC no frequency). This variant has not been reported in the literature in individuals with CD46-related conditions. Algorithms developed to predict the effect of missense changes on protein structure and function are either unavailable or do not agree on the potential impact of this missense change (SIFT: "Tolerated"; PolyPhen-2: "Probably Damaging"; Align-GVGD: "Class C0"). In summary, the available evidence is currently insufficient to determine the role of this variant in disease. Therefore, it has been classified as a Variant of Uncertain Significance.

NM_172351.3(CD46):c.857-137A>C

Gene: CD46 (CD46 molecule; plus strand). Cytogenetic location: 1q32.2.
Variant type: single nucleotide variant.
Coding change: c.857-137A>C on transcript NM_172351.3 (MANE Select); 137 bases into the intron before coding-DNA position 857, A replaced by C.
Molecular consequence: intron variant. On other transcripts: missense variant (2).
Genome position (GRCh38, 1-based): chr1:207,767,642, A>C. VCF-style: chr1-207767642-A-C. GRCh37 (hg19) VCF-style: chr1-207940987-A-C.
Other names: c.892A>C, p.Ser298Arg (NM_002389.4, NM_172359.3); c.857-137A>C (NM_153826.4, NM_172358.3, NM_172355.3 and 1 more transcripts); c.856+447A>C (NM_172352.3, NM_172353.3, NM_172350.3 and 2 more transcripts); short protein forms S298R.
Identifiers: ClinVar variation 1482147 (VCV001482147.8), dbSNP rs2102598940, ClinGen allele CA344551254.